The following is an entry in ClinVar:

ClinVar aggregate classification (germline): Likely benign. Review status: criteria provided, single submitter (1 of 4 stars). 2 submissions from 2 submitters: Likely benign (1). 1 of the submissions does not count toward it. Last evaluated 2023-12-27.

Conditions:
TSC2-related disorder. Also called: TSC2-related condition; TSC2-Related Disorders.

Allele frequency attached by ClinVar (database versions not stated): ExAC 0.00008; ESP Exome Variant Server 0.00008; gnomAD 0.00029; TOPMed 0.00041; 1000 Genomes Project 30x 0.00078; 1000 Genomes Project 0.00080.
gnomAD v4.1: 96 of 1,612,872 alleles (0.006%); highest among the groups gnomAD compares: African/African-American, 0.097%; no homozygotes.

Submissions (2):

Blueprint Genetics
Classification: Likely benign. Last evaluated: 2023-12-27. Review status: criteria provided, single submitter. Criteria: ACMG Guidelines, 2015. Collection method: clinical testing. Allele origin: germline.

PreventionGenetics, part of Exact Sciences
Classification: Likely benign for TSC2-related condition. Last evaluated: 2020-01-03. Review status: no assertion criteria provided. Collection method: clinical testing. Allele origin: germline. Not counted in ClinVar's aggregate classification.
Comment: This variant is classified as likely benign based on ACMG/AMP sequence variant interpretation guidelines (Richards et al. 2015 PMID: 25741868, with internal and published modifications).

NM_000548.5(TSC2):c.5069-23G>T

Gene: TSC2 (TSC complex subunit 2; plus strand). Cytogenetic location: 16p13.3.
Variant type: single nucleotide variant.
Coding change: c.5069-23G>T on transcript NM_000548.5 (MANE Select); 23 bases into the intron before coding-DNA position 5069, G replaced by T.
Molecular consequence: intron variant.
Genome position (GRCh38, 1-based): chr16:2,088,025, G>T. VCF-style: chr16-2088025-G-T. GRCh37 (hg19) VCF-style: chr16-2138026-G-T.
Other names: c.3527-23G>T (NM_001406693.1, NM_001406692.1, NM_001406694.1); c.4961-23G>T (NM_001406667.1); c.4958-23G>T (NM_001406668.1); c.4469-23G>T (NM_001406680.1); c.4400-23G>T (NM_001406683.1, NM_001406682.1); c.4268-23G>T (NM_001406687.1, NM_001406688.1); c.3656-23G>T (NM_001406689.1); c.3596-23G>T (NM_001406690.1); and 26 more.
Identifiers: ClinVar variation 3034975 (VCV003034975.3), dbSNP rs369756111, ClinGen allele CA053796.